The following is an entry in ClinVar:

NM_012281.3(KCND2):c.403G>T (p.Glu135Ter)

Gene: KCND2 (potassium voltage-gated channel subfamily D member 2; plus strand). Cytogenetic location: 7q31.31.
Variant type: single nucleotide variant.
Coding change: c.403G>T on transcript NM_012281.3 (MANE Select); coding-DNA position 403, G replaced by T.
Protein change: p.Glu135Ter; replaces glutamic acid 135 with a stop codon.
Molecular consequence: nonsense.
Genome position (GRCh38, 1-based): chr7:120,275,035, G>T. VCF-style: chr7-120275035-G-T. GRCh37 (hg19) VCF-style: chr7-119915089-G-T.
Other names: short protein forms E135*.
Identifiers: ClinVar variation 2861855 (VCV002861855.3), dbSNP rs2546907161, ClinGen allele CA369131526.

ClinVar aggregate classification (germline): Uncertain significance (1 of 4 stars; one submission).

Conditions:
Early Myoclonic Encephalopathy. Identifiers: MedGen C0270855.

Allele frequency attached by ClinVar (database versions not stated): gnomAD exomes below 0.00001.

Submission:

Labcorp Genetics (formerly Invitae), Labcorp
Classification: Uncertain significance for Early Myoclonic Encephalopathy. Last evaluated: 2023-05-03. Review status: criteria provided, single submitter. Criteria: Invitae Variant Classification Sherloc (09022015). Collection method: clinical testing. Allele origin: germline.
Comment: In summary, the available evidence is currently insufficient to determine the role of this variant in disease. Therefore, it has been classified as a Variant of Uncertain Significance. Experimental studies and prediction algorithms are not available or were not evaluated, and the functional significance of this variant is currently unknown. This variant has not been reported in the literature in individuals affected with KCND2-related conditions. This variant is not present in population databases (gnomAD no frequency). This sequence change creates a premature translational stop signal (p.Glu135*) in the KCND2 gene. It is expected to result in an absent or disrupted protein product. However, the current clinical and genetic evidence is not sufficient to establish whether loss-of-function variants in KCND2 cause disease.